The following is an entry in ClinVar:

NM_001009944.3(PKD1):c.1850-1G>A

Gene: PKD1 (polycystin 1, transient receptor potential channel interacting; minus strand). Cytogenetic location: 16p13.3.
Variant type: single nucleotide variant.
Coding change: c.1850-1G>A on transcript NM_001009944.3 (MANE Select); the canonical splice acceptor site of the intron before coding-DNA position 1850, G replaced by A.
Molecular consequence: splice acceptor variant.
Genome position (GRCh38, 1-based): chr16:2,115,626, C>T on the plus strand (G>A on the coding strand, the complement: PKD1 is on the minus strand). VCF-style: chr16-2115626-C-T. GRCh37 (hg19) VCF-style: chr16-2165627-C-T.
Other names: c.1850-1G>A (NM_000296.4).
Identifiers: ClinVar variation 3236375 (VCV003236375.1), dbSNP rs2544861967, ClinGen allele CA394390301.

ClinVar aggregate classification (germline): Pathogenic (1 of 4 stars; one submission).

Conditions:
Polycystic kidney disease, adult type (PKD1). Also called: Polycystic Kidney Disease 1, Autosomal Dominant; Polycystic kidney disease 1; Polycystic kidney disease 1, severe; Polycystic Kidney, Autosomal Dominant; POLYCYSTIC KIDNEY DISEASE 1 WITH OR WITHOUT POLYCYSTIC LIVER DISEASE; POLYCYSTIC KIDNEY DISEASE, ADULT, TYPE I. Identifiers: MedGen C3149841, MONDO:0008263, OMIM 173900.

Submission:

MVZ Medizinische Genetik Mainz
Classification: Pathogenic for Polycystic kidney disease, adult type. Last evaluated: 2022-09-06. Review status: criteria provided, single submitter. Criteria: UK Practice Guidelines For Variant Classification V4 01 2020. Collection method: clinical testing. Allele origin: germline. Inheritance: Autosomal dominant inheritance. Observed: 1 variant allele.
Comment: ACMG Criteria: PVS1, PM2_SUP, PP4 (ACMG Version 4)